The following is an entry in ClinVar:

ClinVar aggregate classification (germline): Uncertain significance (1 of 4 stars; one submission).

Submission:

Labcorp Genetics (formerly Invitae), Labcorp
Classification: Uncertain significance. Last evaluated: 2023-08-30. Review status: criteria provided, single submitter. Criteria: Invitae Variant Classification Sherloc (09022015). Collection method: clinical testing. Allele origin: germline.
Comment: In summary, the available evidence is currently insufficient to determine the role of this variant in disease. Therefore, it has been classified as a Variant of Uncertain Significance. Algorithms developed to predict the effect of sequence changes on RNA splicing suggest that this variant may create or strengthen a splice site. Advanced modeling of protein sequence and biophysical properties (such as structural, functional, and spatial information, amino acid conservation, physicochemical variation, residue mobility, and thermodynamic stability) performed at Invitae indicates that this missense variant is not expected to disrupt ITGA8 protein function. This variant has not been reported in the literature in individuals affected with ITGA8-related conditions. This variant is not present in population databases (gnomAD no frequency). This sequence change replaces histidine, which is basic and polar, with glutamine, which is neutral and polar, at codon 858 of the ITGA8 protein (p.His858Gln).

NM_003638.3(ITGA8):c.2574T>G (p.His858Gln)

Gene: ITGA8 (integrin subunit alpha 8; minus strand). Cytogenetic location: 10p13.
Variant type: single nucleotide variant.
Coding change: c.2574T>G on transcript NM_003638.3 (MANE Select); coding-DNA position 2574, T replaced by G.
Protein change: p.His858Gln; replaces histidine 858 with glutamine.
Molecular consequence: missense variant.
Genome position (GRCh38, 1-based): chr10:15,572,274, A>C on the plus strand (T>G on the coding strand, the complement: ITGA8 is on the minus strand). VCF-style: chr10-15572274-A-C. GRCh37 (hg19) VCF-style: chr10-15614273-A-C.
Other names: c.2529T>G, p.His843Gln (NM_001291494.2); short protein forms H843Q, H858Q.
Identifiers: ClinVar variation 2854819 (VCV002854819.3), dbSNP rs2131581228, ClinGen allele CA376097432.
Genomic context (GRCh38, chr10:15,572,274, plus strand): 5'-TATATCCTGTGGATTGATATTAGGATTTGGTTGGCACTGCAGAGGTCCCAGAGTTTGAAT[A>C]TGGAAAATATAGAGAAGAAATTCATCCCGGGCAGAGAAAGGCCAGCCCACCTCCAGGATG-3'
Protein context (NP_003629.2, residues 848-868): ARDEFLLYIF[His858Gln]IQTLGPLQCQ